The following is an entry in ClinVar:

NM_000169.3(GLA):c.1197G>A (p.Trp399Ter)

Genes: GLA (galactosidase alpha; minus strand), RPL36A-HNRNPH2 (RPL36A-HNRNPH2 readthrough; plus strand). Cytogenetic location: Xq22.1.
Variant type: single nucleotide variant.
Coding change: c.1197G>A on transcript NM_000169.3 (MANE Select); coding-DNA position 1197, G replaced by A.
Protein change: p.Trp399Ter; replaces tryptophan 399 with a stop codon.
Molecular consequence: nonsense. On other transcripts: non-coding transcript variant (3), intron variant (2).
Genome position (GRCh38, 1-based): chrX:101,397,902, C>T on the plus strand (G>A on the coding strand, the complement: GLA is on the minus strand). VCF-style: chrX-101397902-C-T. GRCh37 (hg19) VCF-style: chrX-100652890-C-T.
Other names: c.1320G>A, p.Trp440Ter (NM_001406747.1); c.300+2445C>T (NM_001199973.2); c.177+6080C>T (NM_001199974.2); short protein forms W399*, W440*.
Identifiers: ClinVar variation 3767973 (VCV003767973.3).

ClinVar aggregate classification (germline): Pathogenic/Likely pathogenic. Review status: criteria provided, multiple submitters, no conflicts (2 of 4 stars). 2 submissions from 2 submitters: Pathogenic (1); Likely pathogenic (1). Last evaluated 2026-09-08.

Conditions:
Fabry disease. Also called: Fabry's disease; ALPHA-GALACTOSIDASE A DEFICIENCY; ANDERSON-FABRY DISEASE; CERAMIDE TRIHEXOSIDASE DEFICIENCY; GLA DEFICIENCY; HEREDITARY DYSTOPIC LIPIDOSIS. Identifiers: Orphanet 324, MedGen C0002986, MONDO:0010526, OMIM 301500, HP:0001071. Disease mechanism: Fabry disease is due to inactivating mutations in the X-linked GLA gene resulting in deficiency of the enzyme Alpha Galactosidase-A., loss of function.

Submissions (2):

Genomenon, Inc
Classification: Pathogenic for Fabry disease. Last evaluated: 2026-09-08. Review status: criteria provided, single submitter. Criteria: Genomenon Sequence Variant Interpretation Standards - Updated. Collection method: curation. Allele origin: germline. Affected: yes.
Comment: GLA p.Trp399Ter (c.1197G>A) is a nonsense variant that introduces a premature stop codon at amino acid position 399 and is predicted to result in a truncated or absent protein product. This variant has been observed in at least one proband with clinical features consistent with Fabry disease (PMID:22551898;36140787;31770509;41301692). The variant was found to segregate with disease in at least one affected family (PMID:36140787). At least one functional study has demonstrated a substantial alteration in protein function relative to the wild-type (PMID:18205205;27657681). It is absent or not present at a significant frequency in gnomAD. In conclusion, we classify GLA p.Trp399Ter (c.1197G>A) as a pathogenic variant.

Diagnostics Services (NGS), CSIR - Centre For Cellular And Molecular Biology
Classification: Likely pathogenic for Fabry disease. Last evaluated: 2025-02-07. Review status: criteria provided, single submitter. Criteria: ACMG Guidelines, 2015. Collection method: clinical testing. Allele origin: germline. Affected: yes. Observed: 1 variant allele, 1 hemizygote.
Comment: The c.1197G>A variant is not present in publicly available population databases like 1000 Genomes, EVS, gnomAD, Indian Exome Database or our internal database. This variant has neither been published in literature in individuals with GLA-related conditions nor reported to the clinical databases like Human Genome Mutation Database (HGMD), ClinVar or OMIM, in any affected individuals. In-silico pathogenicity prediction programs like MutationTaster2, CADD, Varsome, Franklin etc predicted the variant to be likely deleterious. This variant creates a premature translational stop signal at the 399th amino acid position of the wild-type transcript that may either result in translation of a truncated protein or cause nonsense mediated decay of the mRNA.

Literature cited by the submitters: PubMed 22551898 (cited by Genomenon, Inc); PubMed 36140787 (cited by Genomenon, Inc); PubMed 31770509 (cited by Genomenon, Inc); PubMed 41301692 (cited by Genomenon, Inc); PubMed 18205205 (cited by Genomenon, Inc); PubMed 27657681 (cited by Genomenon, Inc).